The following is an entry in ClinVar:

ClinVar aggregate classification (germline): Pathogenic (1 of 4 stars; one submission).

Submission:

Labcorp Genetics (formerly Invitae), Labcorp
Classification: Pathogenic. Last evaluated: 2024-02-22. Review status: criteria provided, single submitter. Criteria: Invitae Variant Classification Sherloc (09022015). Collection method: clinical testing. Allele origin: germline.
Comment: This sequence change creates a premature translational stop signal (p.Leu2882*) in the PCNT gene. It is expected to result in an absent or disrupted protein product. Loss-of-function variants in PCNT are known to be pathogenic (PMID: 18174396, 22821869). This variant is not present in population databases (gnomAD no frequency). This variant has not been reported in the literature in individuals affected with PCNT-related conditions. For these reasons, this variant has been classified as Pathogenic.

Literature cited by the submitters: PubMed 18174396; PubMed 22821869.

NM_006031.6(PCNT):c.8645T>A (p.Leu2882Ter)

Gene: PCNT (pericentrin; plus strand). Cytogenetic location: 21q22.3.
Variant type: single nucleotide variant.
Coding change: c.8645T>A on transcript NM_006031.6 (MANE Select); coding-DNA position 8645, T replaced by A.
Protein change: p.Leu2882Ter; replaces leucine 2882 with a stop codon.
Molecular consequence: nonsense. On other transcripts: intron variant (1).
Genome position (GRCh38, 1-based): chr21:46,432,109, T>A. VCF-style: chr21-46432109-T-A. GRCh37 (hg19) VCF-style: chr21-47852023-T-A.
Other names: c.8160+131T>A (NM_001315529.2); short protein forms L2882*.
Identifiers: ClinVar variation 3642496 (VCV003642496.2).